The following is an entry in ClinVar:

ClinVar aggregate classification (germline): Uncertain significance. Review status: criteria provided, multiple submitters, no conflicts (2 of 4 stars). 2 submissions from 2 submitters: Uncertain significance (2). Last evaluated 2024-01-31.

Conditions:
Ellis-van Creveld syndrome (EVC). Also called: EVC2-Related Ellis-van Creveld Syndrome; MESOECTODERMAL DYSPLASIA; Chondroectodermal dysplasia; EVC-Related Ellis-van Creveld Syndrome. Identifiers: Orphanet 289, MedGen C0013903, MONDO:0009162, OMIM 225500.

Submissions (2):

GeneDx
Classification: Uncertain significance. Last evaluated: 2024-01-31. Review status: criteria provided, single submitter. Criteria: GeneDx Variant Classification Process June 2021. Collection method: clinical testing. Allele origin: germline. Affected: yes.
Comment: Not observed at significant frequency in large population cohorts (gnomAD); In silico analysis supports that this missense variant has a deleterious effect on protein structure/function; Has not been previously published as pathogenic or benign to our knowledge

Baylor Genetics
Classification: Uncertain significance for Ellis-van Creveld syndrome. Last evaluated: 2020-06-11. Review status: criteria provided, single submitter. Criteria: ACMG Guidelines, 2015. Collection method: clinical testing. Allele origin: unknown. Affected: yes.
Comment: This variant was determined to be of uncertain significance according to ACMG Guidelines, 2015 [PMID:25741868].

NM_153717.3(EVC):c.1078T>C (p.Ser360Pro)

Gene: EVC (EvC ciliary complex subunit 1; plus strand). Cytogenetic location: 4p16.2.
Variant type: single nucleotide variant.
Coding change: c.1078T>C on transcript NM_153717.3 (MANE Select); coding-DNA position 1078, T replaced by C.
Protein change: p.Ser360Pro; replaces serine 360 with proline.
Molecular consequence: missense variant.
Genome position (GRCh38, 1-based): chr4:5,748,286, T>C. VCF-style: chr4-5748286-T-C. GRCh37 (hg19) VCF-style: chr4-5750013-T-C.
Other names: c.1078T>C, p.Ser360Pro (NM_001306090.2, NM_001306092.2); short protein forms S360P.
Identifiers: ClinVar variation 1031238 (VCV001031238.2), dbSNP rs1729675412, ClinGen allele CA356151865.